The following is an entry in ClinVar:

NM_001351132.2(PEX5):c.856G>A (p.Asp286Asn)

Gene: PEX5 (peroxisomal biogenesis factor 5; plus strand). Cytogenetic location: 12p13.31.
Variant type: single nucleotide variant.
Coding change: c.856G>A on transcript NM_001351132.2 (MANE Select); coding-DNA position 856, G replaced by A.
Protein change: p.Asp286Asn; replaces aspartic acid 286 with asparagine.
Molecular consequence: missense variant. On other transcripts: intron variant (4).
Genome position (GRCh38, 1-based): chr12:7,203,441, G>A. VCF-style: chr12-7203441-G-A. GRCh37 (hg19) VCF-style: chr12-7356037-G-A.
Other names: c.901G>A, p.Asp301Asn (NM_001131023.2); c.745G>A, p.Asp249Asn (NM_001131024.2, NM_001351124.3, NM_001351126.2 and 7 more transcripts); c.856G>A, p.Asp286Asn (NM_001131025.2, NM_001131026.2, NM_001300789.3 and 5 more transcripts); c.790G>A, p.Asp264Asn (NM_001351135.3, NM_001351138.2); c.736-15G>A (NM_001374649.2, NM_001351140.2, NM_001351139.2); c.847-15G>A (NM_000319.5); short protein forms D264N, D249N, D286N, D301N.
Identifiers: ClinVar variation 1042210 (VCV001042210.7), dbSNP rs1246877750, ClinGen allele CA383726290.

ClinVar aggregate classification (germline): Uncertain significance. Review status: criteria provided, multiple submitters, no conflicts (2 of 4 stars). 2 submissions from 2 submitters: Uncertain significance (2). Last evaluated 2021-08-28.

Conditions:
Peroxisome biogenesis disorder 2B (PBD2B). Identifiers: Orphanet 44, MedGen C3550234, MONDO:0008736, OMIM 202370.

Allele frequency attached by ClinVar (database versions not stated): gnomAD exomes below 0.00001.
gnomAD v4.1: 2 of 1,613,494 alleles (0.00012%); highest among the groups gnomAD compares: Admixed American, 0.0017%; no homozygotes.

Submissions (2):

Labcorp Genetics (formerly Invitae), Labcorp
Classification: Uncertain significance for Peroxisome biogenesis disorder 2B. Last evaluated: 2021-08-28. Review status: criteria provided, single submitter. Criteria: Invitae Variant Classification Sherloc (09022015). Collection method: clinical testing. Allele origin: germline.
Comment: This sequence change replaces aspartic acid with asparagine at codon 286 of the PEX5 protein (p.Asp286Asn). The aspartic acid residue is moderately conserved and there is a small physicochemical difference between aspartic acid and asparagine. This variant is not present in population databases (ExAC no frequency). This variant has not been reported in the literature in individuals affected with PEX5-related conditions. Algorithms developed to predict the effect of missense changes on protein structure and function (SIFT, PolyPhen-2, Align-GVGD) all suggest that this variant is likely to be tolerated. In summary, the available evidence is currently insufficient to determine the role of this variant in disease. Therefore, it has been classified as a Variant of Uncertain Significance.

Blueprint Genetics
Classification: Uncertain significance. Last evaluated: 2018-07-03. Review status: criteria provided, single submitter. Criteria: ACMG Guidelines, 2015. Collection method: clinical testing. Allele origin: germline.